The following is an entry in ClinVar:

ClinVar aggregate classification (germline): Pathogenic/Likely pathogenic. Review status: criteria provided, multiple submitters, no conflicts (2 of 4 stars). 10 submissions from 10 submitters: Pathogenic (8); Likely pathogenic (1). 1 of the submissions does not count toward it. Last evaluated 2025-07-18.

Conditions:
FBXL4-related disorder. Also called: FBXL4-related condition.
Mitochondrial DNA depletion syndrome 13. Also called: Mitochondrial DNA depletion syndrome 13 (encephalomyopathic type); FBXL4-Related Encephalomyopathic Mitochondrial DNA Depletion Syndrome. Identifiers: Orphanet 369897, MedGen C3809592, MONDO:0014198, OMIM 615471.

Allele frequency attached by ClinVar (database versions not stated): gnomAD 0.00001; gnomAD exomes 0.00002.
gnomAD v4.1: 35 of 1,614,054 alleles (0.0022%); highest among the groups gnomAD compares: Non-Finnish European, 0.0029%; no homozygotes.

Submissions (10):

First Genomix Gene Laboratory, Genetic Diagnostics Department
Classification: Pathogenic for Mitochondrial DNA depletion syndrome 13. Last evaluated: 2025-07-18. Review status: criteria provided, single submitter. Criteria: ACMG Guidelines, 2015. Collection method: clinical testing. Allele origin: germline. Inheritance: Autosomal recessive inheritance. Affected: no. Observed: 1 variant allele.

Women's Health and Genetics/Laboratory Corporation of America, LabCorp
Classification: Pathogenic for Mitochondrial DNA depletion syndrome 13. Last evaluated: 2024-06-10. Review status: criteria provided, single submitter. Criteria: LabCorp Variant Classification Summary - May 2015. Collection method: clinical testing. Allele origin: germline.
Comment: Variant summary: FBXL4 c.292C>T (p.Arg98X) results in a premature termination codon, predicted to cause a truncation of the encoded protein or absence of the protein due to nonsense mediated decay, which are commonly known mechanisms for disease. The variant was absent in 251384 control chromosomes. c.292C>T has been reported in the literature in homozygous or compound heterozygous individuals affected with Mitochondrial DNA Depletion Syndrome 13 (encephalomyopathic Type) (van Rij_2016, Trujillano_2017, Theunissen_2018, Monies_2019). These data indicate that the variant may be associated with disease. To our knowledge, no experimental evidence demonstrating an impact on protein function has been reported. The following publications have been ascertained in the context of this evaluation (PMID: 31130284, 30369941, 27848944, 27099744). ClinVar contains an entry for this variant (Variation ID: 437490). Based on the evidence outlined above, the variant was classified as pathogenic.

Fulgent Genetics
Classification: Pathogenic for Mitochondrial DNA depletion syndrome 13. Last evaluated: 2024-05-23. Review status: criteria provided, single submitter. Criteria: ACMG Guidelines, 2015. Collection method: clinical testing. Allele origin: germline.

GeneDx
Classification: Pathogenic. Last evaluated: 2024-04-23. Review status: criteria provided, single submitter. Criteria: GeneDx Variant Classification Process June 2021. Collection method: clinical testing. Allele origin: germline. Affected: yes.
Comment: Not observed at significant frequency in large population cohorts (gnomAD); Nonsense variant predicted to result in protein truncation or nonsense mediated decay in a gene for which loss of function is a known mechanism of disease; This variant is associated with the following publications: (PMID: 30804983, 30369941, 31130284, 35750291, 28940506, 27099744)

Blueprint Genetics
Classification: Pathogenic for FBXL4-related disorders. Last evaluated: 2024-04-10. Review status: criteria provided, single submitter. Criteria: ACMG Guidelines, 2015. Collection method: clinical testing. Allele origin: germline. Affected: yes. Observed: 1 variant allele.

Revvity Omics, Revvity
Classification: Pathogenic for Mitochondrial DNA depletion syndrome 13. Last evaluated: 2023-09-07. Review status: criteria provided, single submitter. Criteria: ACMG Guidelines, 2015. Collection method: clinical testing. Allele origin: germline.

Greenwood Genetic Center Diagnostic Laboratories, Greenwood Genetic Center
Classification: Pathogenic. Last evaluated: 2020-08-26. Review status: criteria provided, single submitter. Criteria: ACMG Guidelines, 2015. Collection method: clinical testing. Allele origin: germline. Affected: yes.

Wong Mito Lab, Molecular and Human Genetics, Baylor College of Medicine
Classification: Pathogenic for Mitochondrial DNA depletion syndrome 13. Last evaluated: 2017-08-10. Review status: criteria provided, single submitter. Criteria: ACMG Guidelines, 2015. Collection method: clinical testing. Allele origin: germline. Affected: yes.
Comment: The NM_012160.4:c.292C>T (NP_036292.2:p.Arg98Ter) [GRCH38: NC_000006.12:g.98926697G>A] variant in FBXL4 gene is interpretated to be a Pathogenic based on ACMG guidelines (PMID: 25741868). This variant has been reported in PMID:27099744 . This variant meets one or more of the following evidence codes reported in the ACMG-guideline. PVS1:This variant is a predcted null variant in FBXL4 where loss of function is a known mechanism of disease. PM2:This variant is absent in key population databases. PM3:Detected in trans with a pathogenic variant for Mitochondrial DNA depletion syndrome 13 which is a recessive disorder. PP4:Patientâ€™s phenotype or family history is highly specific for FBXL4. PP5:Reputable source(s) suggest that the variant is pathogenic. Based on this evidence code ClinGen Pathogenicity Calculator (PMID:28081714) suggested that the variant is Pathogenic.

Pathology and Clinical Laboratory Medicine, King Fahad Medical City
Classification: Likely pathogenic for Mitochondrial DNA depletion syndrome 13. Review status: criteria provided, single submitter. Criteria: ACMG Guidelines, 2015. Collection method: clinical testing. Allele origin: germline. Affected: yes. Observed: 1 variant allele.

Solve-RD Consortium
Classification: Likely pathogenic for Mitochondrial DNA depletion syndrome 13. Last evaluated: 2022-06-01. Review status: no assertion criteria provided. Collection method: provider interpretation. Allele origin: inherited. Affected: yes. Not counted in ClinVar's aggregate classification.
Comment: Variant confirmed as disease-causing by referring clinical team

Variant identified during reanalysis of unsolved cases by the Solve-RD project. The Solve-RD project has received funding from the European Union’s Horizon 2020 research and innovation programme under grant agreement No 779257.

Literature cited by the submitters: PubMed 31130284 (cited by Women's Health and Genetics/Laboratory Corporation of America, LabCorp); PubMed 27848944 (cited by Women's Health and Genetics/Laboratory Corporation of America, LabCorp); PubMed 30369941 (cited by Women's Health and Genetics/Laboratory Corporation of America, LabCorp); PubMed 27099744 (cited by Women's Health and Genetics/Laboratory Corporation of America, LabCorp and Wong Mito Lab, Molecular and Human Genetics, Baylor College of Medicine); PubMed 39825153 (cited by Solve-RD Consortium).

NM_001278716.2(FBXL4):c.292C>T (p.Arg98Ter)

Gene: FBXL4 (F-box and leucine rich repeat protein 4; minus strand). Cytogenetic location: 6q16.2.
Variant type: single nucleotide variant.
Coding change: c.292C>T on transcript NM_001278716.2 (MANE Select); coding-DNA position 292, C replaced by T.
Protein change: p.Arg98Ter; replaces arginine 98 with a stop codon.
Molecular consequence: nonsense. On other transcripts: non-coding transcript variant (2).
Genome position (GRCh38, 1-based): chr6:98,926,697, G>A on the plus strand (C>T on the coding strand, the complement: FBXL4 is on the minus strand). VCF-style: chr6-98926697-G-A. GRCh37 (hg19) VCF-style: chr6-99374573-G-A.
Other names: c.292C>T (NM_012160.3); c.292C>T, p.Arg98Ter (NM_012160.5); short protein forms R98*.
Identifiers: ClinVar variation 437490 (VCV000437490.18), dbSNP rs1554222130, ClinGen allele CA16021026.